The following is an entry in ClinVar:

NM_000156.6(GAMT):c.677C>T (p.Pro226Leu)

Gene: GAMT (guanidinoacetate N-methyltransferase; minus strand). Cytogenetic location: 19p13.3.
Variant type: single nucleotide variant.
Coding change: c.677C>T on transcript NM_000156.6 (MANE Select); coding-DNA position 677, C replaced by T.
Protein change: p.Pro226Leu; replaces proline 226 with leucine.
Molecular consequence: missense variant.
Genome position (GRCh38, 1-based): chr19:1,397,393, G>A on the plus strand (C>T on the coding strand, the complement: GAMT is on the minus strand). VCF-style: chr19-1397393-G-A. GRCh37 (hg19) VCF-style: chr19-1397392-G-A.
Other names: p.P226L:CCA>CTA; NM_000156.6(GAMT):c.677C>T; p.Pro226Leu; short protein forms P226L.
Identifiers: ClinVar variation 205594 (VCV000205594.6), dbSNP rs796052528, ClinGen allele CA314832.

ClinVar aggregate classification (germline): Uncertain significance. Review status: reviewed by expert panel (3 of 4 stars). 2 submissions from 2 submitters: Uncertain significance (1). 1 of the submissions does not count toward it. Last evaluated 2025-04-28.

Conditions:
Deficiency of guanidinoacetate methyltransferase (CCDS2). Also called: CEREBRAL CREATINE DEFICIENCY SYNDROME 2; GAMT DEFICIENCY; Guanidinoacetate Methyltransferase (GAMT) Deficiency. Identifiers: Orphanet 382, MedGen C0574080, MONDO:0012999, OMIM 612736.

Allele frequency attached by ClinVar (database versions not stated): gnomAD exomes below 0.00001.

Submissions (2):

ClinGen Cerebral Creatine Deficiency Syndromes Variant Curation Expert Panel, ClinGen
Classification: Uncertain significance for Deficiency of guanidinoacetate methyltransferase. Last evaluated: 2025-04-28. Review status: reviewed by expert panel. Criteria: ClinGen CCDS ACMG Specifications GAMT V2.0.0. Collection method: curation. Allele origin: germline. Inheritance: Autosomal recessive inheritance.
Comment: The NM_000156.6: c.677C>T variant in GAMT is a missense variant predicted to result in the substitution of proline for leucine at amino acid 226 (p.Pro226Leu). The highest population minor allele frequency in gnomAD v4.1.0 is 0.000003390 (4/1179890 alleles) in the European non-Finnish population, which is lower than the ClinGen CCDS VCEP’s threshold for PM2_Supporting (<0.0004), meeting this criterion (PM2_Supporting). The computational predictor REVEL gives a score of 0.292 which is neither above nor below the thresholds predicting a damaging (>0.644) or benign (<0.29) impact on GAMT function. SpliceAI predicts that the variant will have no impact on splicing. To our knowledge, this variant has not been reported in published literature in individuals with GAMT deficiency, and the results of functional studies are unavailable. This variant has been previously reported in ClinVar (Variation ID: 205594). In summary, this variant meets the criteria to be classified as a variant of uncertain significance for GAMT deficiency. GAMT-specific ACMG/AMP codes met, as specified by the ClinGen Cerebral Creatine Deficiency Syndromes VCEP (Specifications Version 2.0.0): PM2_Supporting (Classification approved by the ClinGen CCDS VCEP on April 28, 2025).

GeneDx
Classification: Uncertain significance. Last evaluated: 2012-05-14. Review status: criteria provided, single submitter. Criteria: GeneDx Variant Classification (06012015). Collection method: clinical testing. Allele origin: germline. Affected: yes. Not counted in ClinVar's aggregate classification.
Comment: p.Pro226Leu (CCA>CTA): c.677 C>T in exon 6 of the GAMT gene (NM_000156.4) The Pro226Leu missense change has not been published as a mutation, nor has it been reported as a benign polymorphism to our knowledge. The NHLBI ESP Exome Variant Project has not identified Pro226Leu in approximately 5,000 individuals of European or African American ethnicity, indicating that it is not a common benign variant in these populations. Although both Proline and Leucine are uncharged, non-polar amino acids, the loss of a bulky Proline residue may alter the secondary structure of the protein. However, Pro226Leu alters a position that is not highly conserved in the GAMT protein or in related proteins. Several in silico models predict that Pro226Leu may be benign, while another suggests this variant may be damaging to protein structure/function. Therefore, based on the currently available information, it is unclear whether Pro226Leu is a disease-causing mutation or a rare benign variant. The variant is found in INFANT-EPI panel(s).